The following is an entry in ClinVar:

ClinVar aggregate classification (germline): Conflicting classifications of pathogenicity. Review status: criteria provided, conflicting classifications (1 of 4 stars). 2 submissions from 2 submitters: Uncertain significance (1); Benign (1). Last evaluated 2025-04-22.

Conditions:
Primary ciliary dyskinesia. Also called: Ciliary dyskinesia. Identifiers: Orphanet 244, MedGen C0008780, MONDO:0016575, HP:0012265.

Allele frequency attached by ClinVar (database versions not stated): ExAC 0.00001; gnomAD 0.00002; gnomAD exomes 0.00002; TOPMed 0.00002.
gnomAD v4.1: 16 of 1,613,756 alleles (0.00099%); highest among the groups gnomAD compares: Non-Finnish European, 0.0013%; no homozygotes.

Submissions (2):

Labcorp Genetics (formerly Invitae), Labcorp
Classification: Benign for Primary ciliary dyskinesia. Last evaluated: 2025-04-22. Review status: criteria provided, single submitter. Criteria: Invitae Variant Classification Sherloc (09022015). Collection method: clinical testing. Allele origin: germline.

Ambry Genetics
Classification: Uncertain significance for Primary ciliary dyskinesia. Last evaluated: 2021-09-26. Review status: criteria provided, single submitter. Criteria: Ambry Variant Classification Scheme 2023. Collection method: clinical testing. Allele origin: germline.
Comment: The p.P2907H variant (also known as c.8720C>A), located in coding exon 53 of the DNAH11 gene, results from a C to A substitution at nucleotide position 8720. The proline at codon 2907 is replaced by histidine, an amino acid with similar properties. This amino acid position is conserved. In addition, this alteration is predicted to be tolerated by in silico analysis. Since supporting evidence is limited at this time, the clinical significance of this alteration remains unclear.

NM_001277115.2(DNAH11):c.8720C>A (p.Pro2907His)

Gene: DNAH11 (dynein axonemal heavy chain 11; plus strand). Cytogenetic location: 7p15.3.
Variant type: single nucleotide variant.
Coding change: c.8720C>A on transcript NM_001277115.2 (MANE Select); coding-DNA position 8720, C replaced by A.
Protein change: p.Pro2907His; replaces proline 2907 with histidine.
Molecular consequence: missense variant.
Genome position (GRCh38, 1-based): chr7:21,749,724, C>A. VCF-style: chr7-21749724-C-A. GRCh37 (hg19) VCF-style: chr7-21789342-C-A.
Other names: c.8741C>A, p.Pro2914His (NM_003777.3); short protein forms P2907H, P2914H.
Identifiers: ClinVar variation 1764450 (VCV001764450.5), dbSNP rs762986683, ClinGen allele CA4181700.